The following is an entry in ClinVar:

NM_006208.3(ENPP1):c.430+5G>C

Gene: ENPP1 (ectonucleotide pyrophosphatase/phosphodiesterase 1; plus strand). Cytogenetic location: 6q23.2.
Variant type: single nucleotide variant.
Coding change: c.430+5G>C on transcript NM_006208.3 (MANE Select); 5 bases into the intron after coding-DNA position 430, G replaced by C.
Molecular consequence: intron variant.
Genome position (GRCh38, 1-based): chr6:131,850,111, G>C. VCF-style: chr6-131850111-G-C. GRCh37 (hg19) VCF-style: chr6-132171251-G-C.
Identifiers: ClinVar variation 2802275 (VCV002802275.3), dbSNP rs2483459846, ClinGen allele CA2680366198.

ClinVar aggregate classification (germline): Uncertain significance (1 of 4 stars; one submission).

Allele frequency attached by ClinVar (database versions not stated): gnomAD exomes below 0.00001.
gnomAD v4.1: 4 of 1,559,274 alleles (0.00026%); highest among the groups gnomAD compares: Non-Finnish European, 0.00035%; no homozygotes.

Submission:

Labcorp Genetics (formerly Invitae), Labcorp
Classification: Uncertain significance. Last evaluated: 2025-01-16. Review status: criteria provided, single submitter. Criteria: Invitae Variant Classification Sherloc (09022015). Collection method: clinical testing. Allele origin: germline.
Comment: This sequence change falls in intron 3 of the ENPP1 gene. It does not directly change the encoded amino acid sequence of the ENPP1 protein. It affects a nucleotide within the consensus splice site. This variant is not present in population databases (gnomAD no frequency). This variant has not been reported in the literature in individuals affected with ENPP1-related conditions. ClinVar contains an entry for this variant (Variation ID: 2802275). Variants that disrupt the consensus splice site are a relatively common cause of aberrant splicing (PMID: 17576681, 9536098). Algorithms developed to predict the effect of sequence changes on RNA splicing suggest that this variant may disrupt the consensus splice site. In summary, the available evidence is currently insufficient to determine the role of this variant in disease. Therefore, it has been classified as a Variant of Uncertain Significance.

Literature cited by the submitters: PubMed 17576681; PubMed 9536098.